The following is an entry in ClinVar:

ClinVar aggregate classification (germline): Uncertain significance (1 of 4 stars; one submission).

Allele frequency attached by ClinVar (database versions not stated): gnomAD exomes below 0.00001; ExAC 0.00001.
gnomAD v4.1: 1 of 1,613,638 alleles (0.000062%); highest among the groups gnomAD compares: Non-Finnish European, 0.000085%; no homozygotes.

Submission:

Labcorp Genetics (formerly Invitae), Labcorp
Classification: Uncertain significance. Last evaluated: 2022-06-04. Review status: criteria provided, single submitter. Criteria: Invitae Variant Classification Sherloc (09022015). Collection method: clinical testing. Allele origin: germline.
Comment: In summary, the available evidence is currently insufficient to determine the role of this variant in disease. Therefore, it has been classified as a Variant of Uncertain Significance. Algorithms developed to predict the effect of missense changes on protein structure and function output the following: SIFT: "Tolerated"; PolyPhen-2: "Not Available"; Align-GVGD: "Class C0". The glutamic acid amino acid residue is found in multiple mammalian species, which suggests that this missense change does not adversely affect protein function. This variant has not been reported in the literature in individuals affected with PCLO-related conditions. This variant is present in population databases (rs757249340, gnomAD 0.0009%). This sequence change replaces lysine, which is basic and polar, with glutamic acid, which is acidic and polar, at codon 2739 of the PCLO protein (p.Lys2739Glu).

NM_033026.6(PCLO):c.8215A>G (p.Lys2739Glu)

Gene: PCLO (piccolo presynaptic cytomatrix protein; minus strand). Cytogenetic location: 7q21.11.
Variant type: single nucleotide variant.
Coding change: c.8215A>G on transcript NM_033026.6 (MANE Select); coding-DNA position 8215, A replaced by G.
Protein change: p.Lys2739Glu; replaces lysine 2739 with glutamic acid.
Molecular consequence: missense variant.
Genome position (GRCh38, 1-based): chr7:82,952,738, T>C on the plus strand (A>G on the coding strand, the complement: PCLO is on the minus strand). VCF-style: chr7-82952738-T-C. GRCh37 (hg19) VCF-style: chr7-82582054-T-C.
Other names: c.8215A>G, p.Lys2739Glu (NM_014510.3); short protein forms K2739E.
Identifiers: ClinVar variation 2069530 (VCV002069530.4), dbSNP rs757249340, ClinGen allele CA4320161.